The following is an entry in ClinVar:

ClinVar aggregate classification (germline): Uncertain significance. Review status: criteria provided, multiple submitters, no conflicts (2 of 4 stars). 2 submissions from 2 submitters: Uncertain significance (2). Last evaluated 2021-09-30.

Conditions:
Epileptic encephalopathy. Identifiers: MedGen C0543888, HP:0200134.

Allele frequency attached by ClinVar (database versions not stated): gnomAD exomes 0.00006; ESP Exome Variant Server 0.00017; ExAC 0.00003; gnomAD 0.00006 and 0.00005; TOPMed 0.00008.
gnomAD v4.1: 143 of 1,613,374 alleles (0.0089%); highest among the groups gnomAD compares: Non-Finnish European, 0.012%; no homozygotes.

Submissions (2):

Ambry Genetics
Classification: Uncertain significance. Last evaluated: 2021-09-30. Review status: criteria provided, single submitter. Criteria: Ambry Variant Classification Scheme 2023. Collection method: clinical testing. Allele origin: germline.

Labcorp Genetics (formerly Invitae), Labcorp
Classification: Uncertain significance for Epileptic encephalopathy. Last evaluated: 2021-08-06. Review status: criteria provided, single submitter. Criteria: Invitae Variant Classification Sherloc (09022015). Collection method: clinical testing. Allele origin: germline.
Comment: This variant has not been reported in the literature in individuals with RYR3-related disease. This sequence change replaces leucine with isoleucine at codon 2558 of the RYR3 protein (p.Leu2558Ile). The leucine residue is highly conserved and there is a small physicochemical difference between leucine and isoleucine. This variant is present in population databases (rs373413299, ExAC 0.01%). Algorithms developed to predict the effect of missense changes on protein structure and function do not agree on the potential impact of this missense change (SIFT: "Deleterious"; PolyPhen-2: "Possibly Damaging"; Align-GVGD: "Class C0"). In summary, the available evidence is currently insufficient to determine the role of this variant in disease. Therefore, it has been classified as a Variant of Uncertain Significance.

NM_001036.6(RYR3):c.7672C>A (p.Leu2558Ile)

Gene: RYR3 (ryanodine receptor 3; plus strand). Cytogenetic location: 15q14.
Variant type: single nucleotide variant.
Coding change: c.7672C>A on transcript NM_001036.6 (MANE Select); coding-DNA position 7672, C replaced by A.
Protein change: p.Leu2558Ile; replaces leucine 2558 with isoleucine.
Molecular consequence: missense variant.
Genome position (GRCh38, 1-based): chr15:33,739,847, C>A. VCF-style: chr15-33739847-C-A. GRCh37 (hg19) VCF-style: chr15-34032048-C-A.
Other names: c.7672C>A, p.Leu2558Ile (NM_001243996.4); c.7672C>A (NM_001036.3); short protein forms L2558I.
Identifiers: ClinVar variation 575572 (VCV000575572.11), dbSNP rs373413299, ClinGen allele CA7459965.